The following is an entry in ClinVar:

NM_005909.5(MAP1B):c.14T>G (p.Val5Gly)

Gene: MAP1B (microtubule associated protein 1B; plus strand). Cytogenetic location: 5q13.2.
Variant type: single nucleotide variant.
Coding change: c.14T>G on transcript NM_005909.5 (MANE Select); coding-DNA position 14, T replaced by G.
Protein change: p.Val5Gly; replaces valine 5 with glycine.
Molecular consequence: missense variant.
Genome position (GRCh38, 1-based): chr5:72,107,545, T>G. VCF-style: chr5-72107545-T-G. GRCh37 (hg19) VCF-style: chr5-71403372-T-G.
Other names: short protein forms V5G.
Identifiers: ClinVar variation 1709358 (VCV001709358.2), dbSNP rs1745102587, ClinGen allele CA359985334.

ClinVar aggregate classification (germline): Uncertain significance (1 of 4 stars; one submission).

Conditions:
Periventricular nodular heterotopia 9. Identifiers: MedGen C5394503, MONDO:0030061, OMIM 618918.

Submission:

MGZ Medical Genetics Center
Classification: Uncertain significance for Periventricular nodular heterotopia 9. Last evaluated: 2022-05-05. Review status: criteria provided, single submitter. Criteria: ACMG Guidelines, 2015. Collection method: clinical testing. Allele origin: germline. Affected: yes. Observed: 1 variant allele.
Comment: ACMG criteria applied: PM2_SUP, BP4